The following is an entry in ClinVar:

ClinVar aggregate classification (germline): Uncertain significance (1 of 4 stars; one submission).

Submission:

Ambry Genetics
Classification: Uncertain significance. Last evaluated: 2023-12-18. Review status: criteria provided, single submitter. Criteria: Ambry Variant Classification Scheme 2023. Collection method: clinical testing. Allele origin: germline.
Comment: The c.662_663delAGinsGT variant (also known as p.Q221R), located in coding exon 1 of the EGLN1 gene, results from an in-frame deletion of AG and insertion of GT at nucleotide positions 662 to 663. This results in the substitution of the glutamine residue for an arginine residue at codon 221, an amino acid with highly similar properties. This amino acid position is not well conserved in available vertebrate species. In addition, this alteration is predicted to be neutral by in silico analysis (Choi Y et al. PLoS ONE. 2012; 7(10):e46688). The evidence for this gene-disease relationship is limited; therefore, the clinical significance of this alteration is unclear.

NM_022051.3(EGLN1):c.662_663delinsGT (p.Gln221Arg)

Gene: EGLN1 (egl-9 family hypoxia inducible factor 1; minus strand). Cytogenetic location: 1q42.2.
Variant type: Indel.
Coding change: c.662_663delinsGT on transcript NM_022051.3 (MANE Select); coding-DNA positions 662 to 663, AG replaced by GT.
Protein change: p.Gln221Arg; replaces glutamine 221 with arginine.
Molecular consequence: missense variant.
Genome position (GRCh38, 1-based): chr1:231,421,226-231,421,227, CT replaced by AC on the plus strand (AG replaced by GT on the coding strand, the reverse complement: EGLN1 is on the minus strand). VCF-style: chr1-231421226-CT-AC. GRCh37 (hg19) VCF-style: chr1-231556972-CT-AC.
Other names: c.662_663delinsGT, p.Gln221Arg (NM_001377260.1, NM_001377261.1); short protein forms Q221R.
Identifiers: ClinVar variation 3227734 (VCV003227734.1), dbSNP rs2527359082, ClinGen allele CA2825000925.
Genomic context (GRCh38, chr1:231,421,226, plus strand): 5'-GACCAGCTGCCCGTCCGTGAACTTCCCGGTGTCGTGCAGGGCGCGCACCTCGTCGCCGAT[CT>AC]GCTGTCCGGTCTCCTTGCCGAGGAAGTCGTCCACCACACAGATGCCGTGCTTGTTCATGC-3'
Protein context (NP_071334.1, residues 211-231): DDFLGKETGQ[Gln221Arg]IGDEVRALHD